The following is an entry in ClinVar:

NM_001379500.1(COL18A1):c.107-12261C>A

Gene: COL18A1 (collagen type XVIII alpha 1 chain; plus strand). Cytogenetic location: 21q22.3.
Variant type: single nucleotide variant.
Coding change: c.107-12261C>A on transcript NM_001379500.1 (MANE Select); 12261 bases into the intron before coding-DNA position 107, C replaced by A.
Molecular consequence: intron variant. On other transcripts: missense variant (2).
Genome position (GRCh38, 1-based): chr21:45,455,981, C>A. VCF-style: chr21-45455981-C-A. GRCh37 (hg19) VCF-style: chr21-46875895-C-A.
Other names: c.451C>A, p.Pro151Thr (NM_030582.4, NM_130444.3); short protein forms P151T.
Identifiers: ClinVar variation 1502523 (VCV001502523.5), dbSNP rs769054779, ClinGen allele CA10065479.

ClinVar aggregate classification (germline): Conflicting classifications of pathogenicity. Review status: criteria provided, conflicting classifications (1 of 4 stars). 2 submissions from 2 submitters: Uncertain significance (1); Likely benign (1). Last evaluated 2022-09-01.

Allele frequency attached by ClinVar (database versions not stated): gnomAD exomes 0.00001 and 0.00007; gnomAD 0.00003; TOPMed 0.00003; ExAC 0.00006.
gnomAD v4.1: 22 of 1,612,890 alleles (0.0014%); highest among the groups gnomAD compares: Admixed American, 0.035%; no homozygotes.

Submissions (2):

Labcorp Genetics (formerly Invitae), Labcorp
Classification: Uncertain significance. Last evaluated: 2022-09-01. Review status: criteria provided, single submitter. Criteria: Invitae Variant Classification Sherloc (09022015). Collection method: clinical testing. Allele origin: germline.
Comment: The COL18A1 gene has multiple clinically relevant transcripts. This variant occurs in alternate transcript NM_030582.4, and corresponds to NM_130445.3:c.107-12261C>A in the primary transcript. This sequence change replaces proline, which is neutral and non-polar, with threonine, which is neutral and polar, at codon 151 of the COL18A1 protein (p.Pro151Thr). The frequency data for this variant in the population databases is considered unreliable, as metrics indicate poor data quality at this position in the gnomAD database. This variant has not been reported in the literature in individuals affected with COL18A1-related conditions. ClinVar contains an entry for this variant (Variation ID: 1502523). Experimental studies and prediction algorithms are not available or were not evaluated, and the functional significance of this variant is currently unknown. In summary, the available evidence is currently insufficient to determine the role of this variant in disease. Therefore, it has been classified as a Variant of Uncertain Significance.

Blueprint Genetics
Classification: Likely benign. Last evaluated: 2022-05-04. Review status: criteria provided, single submitter. Criteria: ACMG Guidelines, 2015. Collection method: clinical testing. Allele origin: germline.